The following is an entry in ClinVar:

NM_004260.4(RECQL4):c.385C>T (p.Pro129Ser)

Gene: RECQL4 (RecQ like helicase 4; minus strand). Cytogenetic location: 8q24.3.
Variant type: single nucleotide variant.
Coding change: c.385C>T on transcript NM_004260.4 (MANE Select); coding-DNA position 385, C replaced by T.
Protein change: p.Pro129Ser; replaces proline 129 with serine.
Molecular consequence: missense variant.
Genome position (GRCh38, 1-based): chr8:144,516,734, G>A on the plus strand (C>T on the coding strand, the complement: RECQL4 is on the minus strand). VCF-style: chr8-144516734-G-A. GRCh37 (hg19) VCF-style: chr8-145742118-G-A.
Other names: short protein forms P129S.
Identifiers: ClinVar variation 239773 (VCV000239773.14), dbSNP rs201542692, ClinGen allele CA4949310.

ClinVar aggregate classification (germline): Conflicting classifications of pathogenicity. Review status: criteria provided, conflicting classifications (1 of 4 stars). 3 submissions from 3 submitters: Uncertain significance (1); Likely benign (1). 1 of the submissions does not count toward it. Last evaluated 2026-01-11.

Conditions:
RECQL4-related disorder. Also called: RECQL4-related condition; RECQL4-related disorders.
Rothmund-Thomson syndrome (RTS). Also called: Poikiloderma Congenitale; Poikiloderma of Rothmund-Thomson. Identifiers: Orphanet 2909, MedGen C0032339, MONDO:0010002.
Baller-Gerold syndrome (BGS). Also called: CRANIOSYNOSTOSIS WITH RADIAL DEFECTS. Identifiers: Orphanet 1225, MedGen C0265308, MONDO:0009039, OMIM 218600.
Rapadilino syndrome. Identifiers: Orphanet 3021, MedGen C1849453, MONDO:0009955, OMIM 266280.

Allele frequency attached by ClinVar (database versions not stated): gnomAD exomes 0.00004 and 0.00009; ExAC 0.00008; gnomAD 0.00008 and 0.00009; TOPMed 0.00011; ESP Exome Variant Server 0.00025.

Submissions (3):

Labcorp Genetics (formerly Invitae), Labcorp
Classification: Likely benign for Baller-Gerold syndrome. Last evaluated: 2026-01-11. Review status: criteria provided, single submitter. Criteria: Invitae Variant Classification Sherloc (09022015). Collection method: clinical testing. Allele origin: germline.

Fulgent Genetics
Classification: Uncertain significance for Baller-Gerold syndrome; Rapadilino syndrome; Rothmund-Thomson syndrome type 2. Last evaluated: 2018-10-31. Review status: criteria provided, single submitter. Criteria: ACMG Guidelines, 2015. Collection method: clinical testing. Allele origin: unknown.

PreventionGenetics, part of Exact Sciences
Classification: Likely benign for RECQL4-related condition. Last evaluated: 2023-04-04. Review status: no assertion criteria provided. Collection method: clinical testing. Allele origin: germline. Not counted in ClinVar's aggregate classification.
Comment: This variant is classified as likely benign based on ACMG/AMP sequence variant interpretation guidelines (Richards et al. 2015 PMID: 25741868, with internal and published modifications).